The following is an entry in ClinVar:

ClinVar aggregate classification (germline): Pathogenic (1 of 4 stars; one submission).

Conditions:
Cerebral cavernous malformation (CCM). Also called: Cerebral cavernous malformations; Cavernous Hemangioma of Brain; Cerebral cavernous hemangioma (type); CAVERNOUS ANGIOMA, FAMILIAL; CAVERNOUS ANGIOMATOUS MALFORMATIONS; CEREBRAL CAPILLARY MALFORMATIONS. Identifiers: Orphanet 221061, MedGen C2919945, MONDO:0000820, OMIM 116860, HP:0033522.

Submission:

Labcorp Genetics (formerly Invitae), Labcorp
Classification: Pathogenic for Cerebral cavernous malformation. Last evaluated: 2025-11-27. Review status: criteria provided, single submitter. Criteria: Invitae Variant Classification Sherloc (09022015). Collection method: clinical testing. Allele origin: germline.
Comment: This sequence change creates a premature translational stop signal (p.His483delinsLeuGlnThrIleSer*) in the KRIT1 gene. It is expected to result in an absent or disrupted protein product. Loss-of-function variants in KRIT1 are known to be pathogenic (PMID: 10508515, 11222804, 12404106, 24689081). This variant is not present in population databases (gnomAD no frequency). This variant has not been reported in the literature in individuals affected with KRIT1-related conditions. For these reasons, this variant has been classified as Pathogenic.

Literature cited by the submitters: PubMed 10508515; PubMed 11222804; PubMed 12404106; PubMed 24689081.

NM_194454.3(KRIT1):c.1447_1448insTTCAAACCATATCATAAACCCTTGCAAC (p.His483delinsLeuGlnThrIleSerTer)

Gene: KRIT1 (KRIT1 ankyrin repeat containing; minus strand). Cytogenetic location: 7q21.2.
Variant type: Insertion.
Coding change: c.1447_1448insTTCAAACCATATCATAAACCCTTGCAAC on transcript NM_194454.3 (MANE Select); coding-DNA positions 1447 to 1448, TTCAAACCATATCATAAACCCTTGCAAC inserted.
Protein change: p.His483delinsLeuGlnThrIleSerTer.
Molecular consequence: nonsense.
Genome position: GRCh38 VCF-style: chr7-92222017-T-TGTTGCAAGGGTTTATGATATGGTTTGAA. GRCh37 (hg19) VCF-style: chr7-91851331-T-TGTTGCAAGGGTTTATGATATGGTTTGAA.
Other names: c.1303_1304insTTCAAACCATATCATAAACCCTTGCAAC, p.His435delinsLeuGlnThrIleSerTer (NM_001013406.2, NM_001350669.1, NM_001350670.1); c.733_734insTTCAAACCATATCATAAACCCTTGCAAC, p.His245delinsLeuGlnThrIleSerTer (NM_001350671.1); c.1447_1448insTTCAAACCATATCATAAACCCTTGCAAC, p.His483delinsLeuGlnThrIleSerTer (NM_001350672.1, NM_001350684.1, NM_001350673.1 and 26 more transcripts).
Identifiers: ClinVar variation 4732060 (VCV004732060.1).